The following is an entry in ClinVar:

NM_001386140.1(MTTP):c.196G>A (p.Ala66Thr)

Gene: MTTP (microsomal triglyceride transfer protein; plus strand). Cytogenetic location: 4q23.
Variant type: single nucleotide variant.
Coding change: c.196G>A on transcript NM_001386140.1 (MANE Select); coding-DNA position 196, G replaced by A.
Protein change: p.Ala66Thr; replaces alanine 66 with threonine.
Molecular consequence: missense variant. On other transcripts: 5 prime UTR variant (1).
Genome position (GRCh38, 1-based): chr4:99,582,039, G>A. VCF-style: chr4-99582039-G-A. GRCh37 (hg19) VCF-style: chr4-100503196-G-A.
Other names: c.196G>A, p.Ala66Thr (NM_000253.4); c.-54G>A (NM_001300785.2); short protein forms A66T.
Identifiers: ClinVar variation 1934965 (VCV001934965.5), dbSNP rs2476086992, ClinGen allele CA357500977.

ClinVar aggregate classification (germline): Uncertain significance (1 of 4 stars; one submission).

Submission:

Labcorp Genetics (formerly Invitae), Labcorp
Classification: Uncertain significance. Last evaluated: 2022-04-20. Review status: criteria provided, single submitter. Criteria: Invitae Variant Classification Sherloc (09022015). Collection method: clinical testing. Allele origin: germline.
Comment: This sequence change replaces alanine, which is neutral and non-polar, with threonine, which is neutral and polar, at codon 66 of the MTTP protein (p.Ala66Thr). This variant is not present in population databases (gnomAD no frequency). This variant has not been reported in the literature in individuals affected with MTTP-related conditions. In summary, the available evidence is currently insufficient to determine the role of this variant in disease. Therefore, it has been classified as a Variant of Uncertain Significance. Algorithms developed to predict the effect of missense changes on protein structure and function (SIFT, PolyPhen-2, Align-GVGD) all suggest that this variant is likely to be tolerated.